The following is an entry in ClinVar:

ClinVar aggregate classification (germline): Likely benign (0 of 4 stars; one submission).

Conditions:
CFAP70-related condition.

gnomAD v4.1: 3,461 of 1,614,066 alleles (0.21%); highest among the groups gnomAD compares: Non-Finnish European, 0.27%; 3 homozygotes.

Submission:

PreventionGenetics, part of Exact Sciences
Classification: Likely benign for CFAP70-related condition. Last evaluated: 2024-05-18. Review status: no assertion criteria provided. Collection method: clinical testing. Allele origin: germline.
Comment: This variant is classified as likely benign based on ACMG/AMP sequence variant interpretation guidelines (Richards et al. 2015 PMID: 25741868, with internal and published modifications).

NM_001367801.1(CFAP70):c.2264G>A (p.Arg755Gln)

Gene: CFAP70 (cilia and flagella associated protein 70; minus strand). Cytogenetic location: 10q22.2.
Variant type: single nucleotide variant.
Coding change: c.2264G>A on transcript NM_001367801.1 (MANE Select); coding-DNA position 2264, G replaced by A.
Protein change: p.Arg755Gln; replaces arginine 755 with glutamine.
Molecular consequence: missense variant.
Genome position (GRCh38, 1-based): chr10:73,291,411, C>T on the plus strand (G>A on the coding strand, the complement: CFAP70 is on the minus strand). VCF-style: chr10-73291411-C-T. GRCh37 (hg19) VCF-style: chr10-75051169-C-T.
Other names: NM_145170.3:c.2264G>A; c.2054G>A, p.Arg685Gln (NM_001350933.2); c.1688G>A, p.Arg563Gln (NM_001350934.2); short protein forms R563Q, R685Q, R755Q.
Identifiers: ClinVar variation 3352589 (VCV003352589.1).